The following is an entry in ClinVar:

NM_178161.3(PTF1A):c.172C>T (p.His58Tyr)

Gene: PTF1A (pancreas associated transcription factor 1a; plus strand). Cytogenetic location: 10p12.2.
Variant type: single nucleotide variant.
Coding change: c.172C>T on transcript NM_178161.3 (MANE Select); coding-DNA position 172, C replaced by T.
Protein change: p.His58Tyr; replaces histidine 58 with tyrosine.
Molecular consequence: missense variant.
Genome position (GRCh38, 1-based): chr10:23,192,702, C>T. VCF-style: chr10-23192702-C-T. GRCh37 (hg19) VCF-style: chr10-23481631-C-T.
Other names: c.172C>T (NM_178161.2); short protein forms H58Y.
Identifiers: ClinVar variation 1488204 (VCV001488204.8), dbSNP rs759962056, ClinGen allele CA5438581.

ClinVar aggregate classification (germline): Uncertain significance. Review status: criteria provided, multiple submitters, no conflicts (2 of 4 stars). 2 submissions from 2 submitters: Uncertain significance (2). Last evaluated 2025-04-10.

Conditions:
Inborn genetic diseases. Identifiers: MedGen C0950123, MeSH D030342.

Allele frequency attached by ClinVar (database versions not stated): gnomAD 0.00001 and 0.00002; TOPMed 0.00001; gnomAD exomes 0.00002; ExAC 0.00003.
gnomAD v4.1: 24 of 1,579,648 alleles (0.0015%); highest among the groups gnomAD compares: South Asian, 0.016%; 1 homozygote.

Submissions (2):

Labcorp Genetics (formerly Invitae), Labcorp
Classification: Uncertain significance. Last evaluated: 2025-04-10. Review status: criteria provided, single submitter. Criteria: Invitae Variant Classification Sherloc (09022015). Collection method: clinical testing. Allele origin: germline.
Comment: This sequence change replaces histidine, which is basic and polar, with tyrosine, which is neutral and polar, at codon 58 of the PTF1A protein (p.His58Tyr). This variant is present in population databases (rs759962056, gnomAD 0.01%). This variant has not been reported in the literature in individuals affected with PTF1A-related conditions. ClinVar contains an entry for this variant (Variation ID: 1488204). Invitae Evidence Modeling of protein sequence and biophysical properties (such as structural, functional, and spatial information, amino acid conservation, physicochemical variation, residue mobility, and thermodynamic stability) indicates that this missense variant is not expected to disrupt PTF1A protein function with a negative predictive value of 80%. In summary, the available evidence is currently insufficient to determine the role of this variant in disease. Therefore, it has been classified as a Variant of Uncertain Significance.

Ambry Genetics
Classification: Uncertain significance for Inborn genetic diseases. Last evaluated: 2024-04-04. Review status: criteria provided, single submitter. Criteria: Ambry Variant Classification Scheme 2023. Collection method: clinical testing. Allele origin: germline.